The following is an entry in ClinVar:

ClinVar aggregate classification (germline): Uncertain significance (1 of 4 stars; one submission).

Conditions:
Neutropenia, severe congenital, 1, autosomal dominant. Identifiers: MedGen C1859966, MONDO:0042490, OMIM 202700.
Cyclical neutropenia. Also called: Cyclic hematopoiesis; Cyclic Neutropenia. Identifiers: Orphanet 2686, MedGen C0221023, MONDO:0008090, OMIM 162800, HP:0040289. Disease mechanism: loss of function.

Submission:

Labcorp Genetics (formerly Invitae), Labcorp
Classification: Uncertain significance for Neutropenia, severe congenital, 1, autosomal dominant; Cyclical neutropenia. Last evaluated: 2023-10-22. Review status: criteria provided, single submitter. Criteria: Invitae Variant Classification Sherloc (09022015). Collection method: clinical testing. Allele origin: germline.
Comment: This sequence change replaces glutamine, which is neutral and polar, with histidine, which is basic and polar, at codon 137 of the ELANE protein (p.Gln137His). This variant is not present in population databases (gnomAD no frequency). This variant has not been reported in the literature in individuals affected with ELANE-related conditions. Advanced modeling of protein sequence and biophysical properties (such as structural, functional, and spatial information, amino acid conservation, physicochemical variation, residue mobility, and thermodynamic stability) has been performed at Invitae for this missense variant, however the output from this modeling did not meet the statistical confidence thresholds required to predict the impact of this variant on ELANE protein function. In summary, the available evidence is currently insufficient to determine the role of this variant in disease. Therefore, it has been classified as a Variant of Uncertain Significance.

NM_001972.4(ELANE):c.411G>C (p.Gln137His)

Gene: ELANE (elastase, neutrophil expressed; plus strand). Cytogenetic location: 19p13.3.
Variant type: single nucleotide variant.
Coding change: c.411G>C on transcript NM_001972.4 (MANE Select); coding-DNA position 411, G replaced by C.
Protein change: p.Gln137His; replaces glutamine 137 with histidine.
Molecular consequence: missense variant.
Genome position (GRCh38, 1-based): chr19:855,608, G>C. VCF-style: chr19-855608-G-C. GRCh37 (hg19) VCF-style: chr19-855608-G-C.
Other names: short protein forms Q137H.
Identifiers: ClinVar variation 2938455 (VCV002938455.3), dbSNP rs2512168128, ClinGen allele CA402917923.